The following is an entry in ClinVar:

ClinVar aggregate classification (germline): Likely pathogenic (1 of 4 stars; one submission).

Conditions:
TMEM165-congenital disorder of glycosylation. Also called: CDG IIk; Congenital disorder of glycosylation type 2k; TMEM165-CDG. Identifiers: Orphanet 314667, MedGen C3553571, MONDO:0013870, OMIM 614727.

Submission:

First Genomix Gene Laboratory, Genetic Diagnostics Department
Classification: Likely pathogenic for TMEM165-congenital disorder of glycosylation. Last evaluated: 2025-03-21. Review status: criteria provided, single submitter. Criteria: ACMG Guidelines, 2015. Collection method: clinical testing. Allele origin: germline. Inheritance: Autosomal recessive inheritance. Affected: no. Observed: 1 variant allele.

NM_018475.5(TMEM165):c.919del (p.Val307fs)

Gene: TMEM165 (transmembrane protein 165; plus strand). Cytogenetic location: 4q12.
Variant type: Deletion.
Coding change: c.919del on transcript NM_018475.5 (MANE Select); coding-DNA position 919, one base deleted (G; older notation c.919delG).
Protein change: p.Val307fs; shifts the reading frame from valine 307.
Molecular consequence: frameshift variant. On other transcripts: non-coding transcript variant (1).
Genome position (GRCh38, 1-based): chr4:55,425,396, G deleted. VCF-style (leftmost placement, unchanged base first): chr4-55425395-CG-C. GRCh37 (hg19) VCF-style: chr4-56291562-CG-C.
Other names: c.919delG (NM_018475.5); short protein forms V307fs.
Identifiers: ClinVar variation 4845777 (VCV004845777.1).